The following is an entry in ClinVar:

NM_182961.4(SYNE1):c.25601T>C (p.Val8534Ala)

Gene: SYNE1 (spectrin repeat containing nuclear envelope protein 1; minus strand). Cytogenetic location: 6q25.2.
Variant type: single nucleotide variant.
Coding change: c.25601T>C on transcript NM_182961.4 (MANE Select); coding-DNA position 25601, T replaced by C.
Protein change: p.Val8534Ala; replaces valine 8534 with alanine.
Molecular consequence: missense variant.
Genome position (GRCh38, 1-based): chr6:152,136,676, A>G on the plus strand (T>C on the coding strand, the complement: SYNE1 is on the minus strand). VCF-style: chr6-152136676-A-G. GRCh37 (hg19) VCF-style: chr6-152457811-A-G.
Other names: c.2207T>C, p.Val736Ala (NM_001347701.2); c.2135T>C, p.Val712Ala (NM_001347702.2); c.25457T>C, p.Val8486Ala (NM_033071.5); short protein forms V8486A, V8534A, V736A, V712A.
Identifiers: ClinVar variation 499647 (VCV000499647.15), dbSNP rs746452797, ClinGen allele CA4052788.

ClinVar aggregate classification (germline): Uncertain significance. Review status: criteria provided, multiple submitters, no conflicts (2 of 4 stars). 4 submissions from 4 submitters: Uncertain significance (4). Last evaluated 2022-06-10.

Conditions:
Emery-Dreifuss muscular dystrophy 4, autosomal dominant (EDMD4). Also called: EMERY-DREIFUSS MUSCULAR DYSTROPHY 4 WITH VARIABLE FEATURES. Identifiers: Orphanet 261, MedGen C2751807, MONDO:0013071, OMIM 612998.
Autosomal recessive ataxia, Beauce type. Also called: SYNE1 Deficiency; Spinocerebellar ataxia, autosomal recessive 8; ATAXIA, RECESSIVE, OF BEAUCE; SYNE1-Related Autosomal Recessive Cerebellar Ataxia. Identifiers: Orphanet 88644, MedGen C1853116, MONDO:0012549, OMIM 610743.

Allele frequency attached by ClinVar (database versions not stated): gnomAD exomes below 0.00001 and 0.00001; gnomAD 0.00001; ExAC 0.00002; TOPMed 0.00003.
gnomAD v4.1: 8 of 1,613,958 alleles (0.0005%); highest among the groups gnomAD compares: Non-Finnish European, 0.00051%; no homozygotes.

Submissions (4):

Athena Diagnostics
Classification: Uncertain significance. Last evaluated: 2022-06-10. Review status: criteria provided, single submitter. Criteria: Athena Diagnostics Criteria. Collection method: clinical testing. Allele origin: unknown.

Labcorp Genetics (formerly Invitae), Labcorp
Classification: Uncertain significance for Emery-Dreifuss muscular dystrophy 4, autosomal dominant; Autosomal recessive ataxia, Beauce type. Last evaluated: 2022-03-03. Review status: criteria provided, single submitter. Criteria: Invitae Variant Classification Sherloc (09022015). Collection method: clinical testing. Allele origin: germline.
Comment: ClinVar contains an entry for this variant (Variation ID: 499647). Algorithms developed to predict the effect of missense changes on protein structure and function are either unavailable or do not agree on the potential impact of this missense change (SIFT: "Deleterious"; PolyPhen-2: "Benign"; Align-GVGD: "Class C0"). In summary, the available evidence is currently insufficient to determine the role of this variant in disease. Therefore, it has been classified as a Variant of Uncertain Significance. This variant has not been reported in the literature in individuals affected with SYNE1-related conditions. This sequence change replaces valine, which is neutral and non-polar, with alanine, which is neutral and non-polar, at codon 8486 of the SYNE1 protein (p.Val8486Ala). This variant is present in population databases (rs746452797, gnomAD 0.002%).

GeneDx
Classification: Uncertain significance. Last evaluated: 2019-11-12. Review status: criteria provided, single submitter. Criteria: GeneDx Variant Classification Process June 2021. Collection method: clinical testing. Allele origin: germline. Affected: yes.
Comment: Not observed at a significant frequency in large population cohorts (Lek et al., 2016); In silico analysis, which includes protein predictors and evolutionary conservation, supports that this variant does not alter protein structure/function; Has not been previously published as pathogenic or benign to our knowledge

Eurofins Ntd Llc (ga)
Classification: Uncertain significance. Last evaluated: 2017-01-16. Review status: criteria provided, single submitter. Criteria: EGL Classification Definitions 2015. Collection method: clinical testing. Allele origin: germline. Observed: 1 variant allele, 1 heterozygote.